The following is an entry in ClinVar:

ClinVar aggregate classification (germline): Uncertain significance (1 of 4 stars; one submission).

Conditions:
Developmental and epileptic encephalopathy. Identifiers: MedGen C5779964, MONDO:0100620.

Allele frequency attached by ClinVar (database versions not stated): ExAC 0.00001; gnomAD exomes 0.00001 and 0.00002.
gnomAD v4.1: 4 of 1,613,154 alleles (0.00025%); highest among the groups gnomAD compares: Admixed American, 0.0067%; no homozygotes.

Submission:

Labcorp Genetics (formerly Invitae), Labcorp
Classification: Uncertain significance for Early-infantile DEE. Last evaluated: 2019-01-31. Review status: criteria provided, single submitter. Criteria: Invitae Variant Classification Sherloc (09022015). Collection method: clinical testing. Allele origin: germline.
Comment: This sequence change falls in intron 11 of the CACNA2D2 gene. It does not directly change the encoded amino acid sequence of the CACNA2D2 protein, but it affects a nucleotide within the consensus splice site of the intron. This variant is present in population databases (rs760994346, ExAC 0.009%). This variant has not been reported in the literature in individuals with CACNA2D2-related conditions. Nucleotide substitutions within the consensus splice site are a relatively common cause of aberrant splicing (PMID: 17576681, 9536098). Algorithms developed to predict the effect of sequence changes on RNA splicing suggest that this variant is not likely to affect RNA splicing, but this prediction has not been confirmed by published transcriptional studies. In summary, the available evidence is currently insufficient to determine the role of this variant in disease. Therefore, it has been classified as a Variant of Uncertain Significance.

Literature cited by the submitters: PubMed 17576681; PubMed 9536098.

NM_006030.4(CACNA2D2):c.1152+3G>A

Gene: CACNA2D2 (calcium voltage-gated channel auxiliary subunit alpha2delta 2; minus strand). Cytogenetic location: 3p21.31.
Variant type: single nucleotide variant.
Coding change: c.1152+3G>A on transcript NM_006030.4 (MANE Select); 3 bases into the intron after coding-DNA position 1152, G replaced by A.
Molecular consequence: intron variant.
Genome position (GRCh38, 1-based): chr3:50,379,429, C>T on the plus strand (G>A on the coding strand, the complement: CACNA2D2 is on the minus strand). VCF-style: chr3-50379429-C-T. GRCh37 (hg19) VCF-style: chr3-50416860-C-T.
Other names: c.945+3G>A (NM_001291101.1); c.1152+3G>A (NM_001005505.3, NM_001174051.3).
Identifiers: ClinVar variation 840613 (VCV000840613.3), dbSNP rs760994346, ClinGen allele CA2418983.